The following is an entry in ClinVar:

NM_016373.4(WWOX):c.1057-16del

Genes: MAF (MAF bZIP transcription factor; minus strand), WWOX (WW domain containing oxidoreductase; plus strand). Cytogenetic location: 16q23.2.
Variant type: Deletion.
Coding change: c.1057-16del on transcript NM_016373.4 (MANE Select); 16 bases into the intron before coding-DNA position 1057, one base deleted (C; older notation c.1057-16delC).
Molecular consequence: intron variant.
Genome position (GRCh38, 1-based): chr16:79,211,592, C deleted. VCF-style (leftmost placement, unchanged base first): chr16-79211591-TC-T. GRCh37 (hg19) VCF-style: chr16-79245488-TC-T.
Other names: c.718-16del (NM_001291997.2).
Identifiers: ClinVar variation 421502 (VCV000421502.1), dbSNP rs766041875, ClinGen allele CA8183713.

ClinVar aggregate classification (germline): Likely benign (1 of 4 stars; one submission).

Allele frequency attached by ClinVar (database versions not stated): gnomAD exomes below 0.00001 and 0.00001; ExAC 0.00001.

Submission:

GeneDx
Classification: Likely benign. Last evaluated: 2016-07-01. Review status: criteria provided, single submitter. Criteria: GeneDx Variant Classification (06012015). Collection method: clinical testing. Allele origin: germline. Affected: yes.
Comment: This variant is considered likely benign or benign based on one or more of the following criteria: it is a conservative change, it occurs at a poorly conserved position in the protein, it is predicted to be benign by multiple in silico algorithms, and/or has population frequency not consistent with disease.